The following is an entry in ClinVar:

ClinVar aggregate classification (germline): Likely benign. Review status: criteria provided, multiple submitters, no conflicts (2 of 4 stars). 2 submissions from 2 submitters: Likely benign (2). Last evaluated 2025-05-15.

Conditions:
Long QT syndrome (LQTS). Identifiers: MedGen C0023976, MeSH D008133, MONDO:0002442. Disease mechanism: loss of function. Inheritance: Various modes of inheritance.

Allele frequency attached by ClinVar (database versions not stated): TOPMed below 0.00001; gnomAD exomes 0.00002.
gnomAD v4.1: 11 of 1,586,682 alleles (0.00069%); highest among the groups gnomAD compares: South Asian, 0.0023%; no homozygotes.

Submissions (2):

Labcorp Genetics (formerly Invitae), Labcorp
Classification: Likely benign for Long QT syndrome. Last evaluated: 2025-05-15. Review status: criteria provided, single submitter. Criteria: Invitae Variant Classification Sherloc (09022015). Collection method: clinical testing. Allele origin: germline.

GeneDx
Classification: Likely benign. Last evaluated: 2015-10-28. Review status: criteria provided, single submitter. Criteria: GeneDx Variant Classification (06012015). Collection method: clinical testing. Allele origin: germline. Affected: yes.
Comment: This variant is considered likely benign or benign based on one or more of the following criteria: it is a conservative change, it occurs at a poorly conserved position in the protein, it is predicted to be benign by multiple in silico algorithms, and/or has population frequency not consistent with disease.

NM_000238.4(KCNH2):c.3153-9C>T

Gene: KCNH2 (potassium voltage-gated channel subfamily H member 2; minus strand). Cytogenetic location: 7q36.1.
Variant type: single nucleotide variant.
Coding change: c.3153-9C>T on transcript NM_000238.4 (MANE Select); 9 bases into the intron before coding-DNA position 3153, C replaced by T.
Molecular consequence: intron variant.
Genome position (GRCh38, 1-based): chr7:150,947,063, G>A on the plus strand (C>T on the coding strand, the complement: KCNH2 is on the minus strand). VCF-style: chr7-150947063-G-A. GRCh37 (hg19) VCF-style: chr7-150644151-G-A.
Other names: c.2133-9C>T (NM_172057.3).
Identifiers: ClinVar variation 378944 (VCV000378944.9), dbSNP rs1057520425, ClinGen allele CA16605162.